The following is an entry in ClinVar:

NM_006031.6(PCNT):c.8346G>T (p.Gln2782His)

Gene: PCNT (pericentrin; plus strand). Cytogenetic location: 21q22.3.
Variant type: single nucleotide variant.
Coding change: c.8346G>T on transcript NM_006031.6 (MANE Select); coding-DNA position 8346, G replaced by T.
Protein change: p.Gln2782His; replaces glutamine 2782 with histidine.
Molecular consequence: missense variant.
Genome position (GRCh38, 1-based): chr21:46,431,810, G>T. VCF-style: chr21-46431810-G-T. GRCh37 (hg19) VCF-style: chr21-47851724-G-T.
Other names: c.7992G>T, p.Gln2664His (NM_001315529.2); short protein forms Q2664H, Q2782H.
Identifiers: ClinVar variation 4991732 (VCV004991732.1).
Genomic context (GRCh38, chr21:46,431,810, plus strand): 5'-GCACGAGCGGCTCCTGACCGAGCAGCTGAGCCAGAGGACACAGGAGGCTTGCGTGCACCA[G>T]GACACACAGGCCCATCACGCTCTGCTGCAGAAGCTGAAGGAGGAGAAGTCCCGGGTGGTG-3'
Protein context (NP_006022.3, residues 2772-2792): SQRTQEACVH[Gln2782His]DTQAHHALLQ

ClinVar aggregate classification (germline): Uncertain significance (1 of 4 stars; one submission).

Conditions:
PCNT-related disorder. Also called: PCNT-related condition.

Submission:

PreventionGenetics, part of Exact Sciences
Classification: Uncertain significance for PCNT-related condition. Last evaluated: 2026-04-15. Review status: criteria provided, single submitter. Criteria: ACMG Guidelines, 2015. Collection method: clinical testing. Allele origin: germline.
Comment: The PCNT c.8346G>T variant is predicted to result in the amino acid substitution p.Gln2782His. To our knowledge, this variant has not been reported in the literature or in a large population database (gnomAD), indicating this variant is rare. At this time, the clinical significance of this variant is uncertain due to the absence of conclusive functional and genetic evidence.